The following is an entry in ClinVar:

ClinVar aggregate classification (germline): Uncertain significance (1 of 4 stars; one submission).

Conditions:
Intellectual developmental disorder, X-linked, syndromic, Turner type. Also called: X-linked intellectual disability, Turner type; Intellectual disability, X-linked syndromic, Turner type. Identifiers: Orphanet 3056, Orphanet 85328, MedGen C2678046, MONDO:0010407, OMIM 309590.

Submission:

Juno Genomics, Hangzhou Juno Genomics, Inc
Classification: Uncertain significance for Intellectual developmental disorder, X-linked, syndromic, Turner type. Review status: criteria provided, single submitter. Criteria: ACMG Guidelines, 2015. Collection method: clinical testing. Allele origin: germline.
Comment: Absent from controls (or at extremely low frequency if recessive) in Genome Aggregation Database.

NM_031407.7(HUWE1):c.3674A>T (p.Lys1225Ile)

Genes: HUWE1 (HECT, UBA and WWE domain containing E3 ubiquitin protein ligase 1; minus strand), LOC126863263 (BRD4-independent group 4 enhancer GRCh37_chrX:53619238-53620437; plus strand). Cytogenetic location: Xp11.22.
Variant type: single nucleotide variant.
Coding change: c.3674A>T on transcript NM_031407.7 (MANE Select); coding-DNA position 3674, A replaced by T.
Protein change: p.Lys1225Ile; replaces lysine 1225 with isoleucine.
Molecular consequence: missense variant.
Genome position (GRCh38, 1-based): chrX:53,593,431, T>A on the plus strand (A>T on the coding strand, the complement: HUWE1 is on the minus strand). VCF-style: chrX-53593431-T-A. GRCh37 (hg19) VCF-style: chrX-53620391-T-A.
Other names: c.3674A>T, p.Lys1225Ile (NM_001441048.1, NM_001441049.1, NM_001441051.1 and 6 more transcripts); c.3695A>T, p.Lys1232Ile (NM_001441050.1, NM_001441055.1); short protein forms K1232I, K1225I.
Identifiers: ClinVar variation 5007582 (VCV005007582.2).